The following is an entry in ClinVar:

NM_005228.5(EGFR):c.2963A>G (p.His988Arg)

Gene: EGFR (epidermal growth factor receptor; plus strand). Cytogenetic location: 7p11.2.
Variant type: single nucleotide variant.
Coding change: c.2963A>G on transcript NM_005228.5 (MANE Select); coding-DNA position 2963, A replaced by G.
Protein change: p.His988Arg; replaces histidine 988 with arginine.
Molecular consequence: missense variant.
Genome position (GRCh38, 1-based): chr7:55,201,204, A>G. VCF-style: chr7-55201204-A-G. GRCh37 (hg19) VCF-style: chr7-55268897-A-G.
Other names: c.2828A>G, p.His943Arg (NM_001346897.2, NM_001346899.2); c.2963A>G, p.His988Arg (NM_001346898.2); c.2804A>G, p.His935Arg (NM_001346900.2); c.2162A>G, p.His721Arg (NM_001346941.2); short protein forms H935R, H721R, H943R, H988R.
Identifiers: ClinVar variation 864633 (VCV000864633.11), dbSNP rs17290699, ClinGen allele CA4266228.

ClinVar aggregate classification (germline): Uncertain significance. Review status: criteria provided, multiple submitters, no conflicts (2 of 4 stars). 3 submissions from 3 submitters: Uncertain significance (3). Last evaluated 2026-01-21.

Conditions:
Hereditary cancer-predisposing syndrome. Also called: Hereditary Cancer Syndrome; Tumor predisposition; Neoplastic Syndromes, Hereditary; Hereditary neoplastic syndrome. Identifiers: Orphanet 140162, MedGen C0027672, MeSH D009386, MONDO:0015356.
EGFR-related lung cancer (EGFR). Identifiers: MedGen CN130014.

Allele frequency attached by ClinVar (database versions not stated): TOPMed 0.00006.
gnomAD v4.1: 22 of 1,614,068 alleles (0.0014%); highest among the groups gnomAD compares: Middle Eastern, 0.016%; no homozygotes.

Submissions (3):

Labcorp Genetics (formerly Invitae), Labcorp
Classification: Uncertain significance for EGFR-related lung cancer. Last evaluated: 2026-01-21. Review status: criteria provided, single submitter. Criteria: Invitae Variant Classification Sherloc (09022015). Collection method: clinical testing. Allele origin: germline.
Comment: This sequence change replaces histidine, which is basic and polar, with arginine, which is basic and polar, at codon 988 of the EGFR protein (p.His988Arg). This variant is present in population databases (rs17290699, gnomAD 0.005%). This variant has not been reported in the literature in individuals affected with EGFR-related conditions. ClinVar contains an entry for this variant (Variation ID: 864633). Invitae Evidence Modeling of protein sequence and biophysical properties (such as structural, functional, and spatial information, amino acid conservation, physicochemical variation, residue mobility, and thermodynamic stability) indicates that this missense variant is not expected to disrupt EGFR protein function with a negative predictive value of 80%. In summary, the available evidence is currently insufficient to determine the role of this variant in disease. Therefore, it has been classified as a Variant of Uncertain Significance.

Ambry Genetics
Classification: Uncertain significance for Hereditary cancer-predisposing syndrome. Last evaluated: 2025-01-16. Review status: criteria provided, single submitter. Criteria: Ambry Variant Classification Scheme 2023. Collection method: clinical testing. Allele origin: germline.
Comment: The p.H988R variant (also known as c.2963A>G), located in coding exon 25 of the EGFR gene, results from an A to G substitution at nucleotide position 2963. The histidine at codon 988 is replaced by arginine, an amino acid with highly similar properties. This amino acid position is well conserved in available vertebrate species. In addition, this alteration is predicted to be tolerated by in silico analysis. Based on the available evidence, the clinical significance of this variant remains unclear.

Institute for Clinical Genetics, University Hospital TU Dresden, University Hospital TU Dresden
Classification: Uncertain significance. Last evaluated: 2021-11-03. Review status: criteria provided, single submitter. Criteria: ACMG Guidelines, 2015. Collection method: clinical testing. Allele origin: germline.